The following is an entry in ClinVar:

ClinVar aggregate classification (germline): Benign (1 of 4 stars; one submission).

Conditions:
Familial adenomatous polyposis 1 (FAP1). Also called: FAMILIAL ADENOMATOUS POLYPOSIS 1, ATTENUATED; POLYPOSIS, ADENOMATOUS INTESTINAL. Identifiers: MedGen C2713442, MONDO:0021056, OMIM 175100. Disease mechanism: loss of function.

Submission:

Myriad Genetics, Inc.
Classification: Benign for Familial adenomatous polyposis 1. Last evaluated: 2024-04-04. Review status: criteria provided, single submitter. Criteria: Myriad Autosomal Dominant, Autosomal Recessive and X-Linked Classification Criteria (2023). Collection method: clinical testing. Allele origin: unknown.
Comment: This variant is considered benign. This variant is a silent/synonymous amino acid change and it is not expected to impact splicing.

NM_000038.6(APC):c.6370T>C (p.Leu2124=)

Gene: APC (APC regulator of Wnt signaling pathway; plus strand). Cytogenetic location: 5q22.2.
Variant type: single nucleotide variant.
Coding change: c.6370T>C on transcript NM_000038.6 (MANE Select); coding-DNA position 6370, T replaced by C.
Protein change: p.Leu2124=; no amino-acid change (leucine 2124 retained).
Molecular consequence: synonymous variant. On other transcripts: non-coding transcript variant (2).
Genome position (GRCh38, 1-based): chr5:112,841,964, T>C. VCF-style: chr5-112841964-T-C. GRCh37 (hg19) VCF-style: chr5-112177661-T-C.
Other names: c.6370T>C, p.Leu2124= (NM_001127510.3, NM_001354895.2, NM_001407450.1); c.6316T>C, p.Leu2106= (NM_001127511.3); c.6424T>C, p.Leu2142= (NM_001354896.2, NM_001407447.1, NM_001407448.1 and 1 more transcripts); c.6400T>C, p.Leu2134= (NM_001354897.2); c.6295T>C, p.Leu2099= (NM_001354898.2); c.6286T>C, p.Leu2096= (NM_001354899.2); c.6247T>C, p.Leu2083= (NM_001354900.2); c.6193T>C, p.Leu2065= (NM_001354901.2, NM_001407453.1); and 11 more.
Identifiers: ClinVar variation 3254468 (VCV003254468.1), dbSNP rs1182203916.